The following is an entry in ClinVar:

ClinVar aggregate classification (germline): Uncertain significance (1 of 4 stars; one submission).

Conditions:
Hereditary cancer-predisposing syndrome. Also called: Neoplastic Syndromes, Hereditary; Tumor predisposition; Hereditary neoplastic syndrome; Hereditary Cancer Syndrome. Identifiers: Orphanet 140162, MedGen C0027672, MeSH D009386, MONDO:0015356.
Cardiovascular phenotype. Identifiers: MedGen CN230736.

Submission:

Ambry Genetics
Classification: Uncertain significance for Cardiovascular phenotype; Hereditary cancer-predisposing syndrome. Last evaluated: 2024-01-06. Review status: criteria provided, single submitter. Criteria: Ambry Variant Classification Scheme 2023. Collection method: clinical testing. Allele origin: germline.
Comment: The p.R294S variant (also known as c.880C>A), located in coding exon 9 of the LZTR1 gene, results from a C to A substitution at nucleotide position 880. The arginine at codon 294 is replaced by serine, an amino acid with dissimilar properties. This amino acid position is conserved. In addition, this alteration is predicted to be deleterious by in silico analysis. Since supporting evidence is limited at this time, the clinical significance of this alteration remains unclear.

NM_006767.4(LZTR1):c.880C>A (p.Arg294Ser)

Gene: LZTR1 (leucine zipper like post translational regulator 1; plus strand). Cytogenetic location: 22q11.21.
Variant type: single nucleotide variant.
Coding change: c.880C>A on transcript NM_006767.4 (MANE Select); coding-DNA position 880, C replaced by A.
Protein change: p.Arg294Ser; replaces arginine 294 with serine.
Molecular consequence: missense variant.
Genome position (GRCh38, 1-based): chr22:20,991,716, C>A. VCF-style: chr22-20991716-C-A. GRCh37 (hg19) VCF-style: chr22-21346005-C-A.
Other names: short protein forms R294S.
Identifiers: ClinVar variation 3238359 (VCV003238359.1), dbSNP rs771655758.